The following is an entry in ClinVar:

NM_020975.6(RET):c.1738A>C (p.Ile580Leu)

Gene: RET (ret proto-oncogene; plus strand). Cytogenetic location: 10q11.21.
Variant type: single nucleotide variant.
Coding change: c.1738A>C on transcript NM_020975.6 (MANE Select); coding-DNA position 1738, A replaced by C.
Protein change: p.Ile580Leu; replaces isoleucine 580 with leucine.
Molecular consequence: missense variant.
Genome position (GRCh38, 1-based): chr10:43,112,942, A>C. VCF-style: chr10-43112942-A-C. GRCh37 (hg19) VCF-style: chr10-43608390-A-C.
Other names: c.1738A>C, p.Ile580Leu (NM_000323.2, NM_001406743.1, NM_001406744.1 and 6 more transcripts); c.976A>C, p.Ile326Leu (NM_001355216.2); c.1609A>C, p.Ile537Leu (NM_001406761.1, NM_001406762.1, NM_001406764.1 and 1 more transcripts); c.1450A>C, p.Ile484Leu (NM_001406766.1, NM_001406767.1, NM_001406770.1); c.1342A>C, p.Ile448Leu (NM_001406769.1, NM_001406772.1); c.1300A>C, p.Ile434Leu (NM_001406771.1, NM_001406773.1); c.1213A>C, p.Ile405Leu (NM_001406774.1); c.1012A>C, p.Ile338Leu (NM_001406775.1, NM_001406776.1, NM_001406777.1 and 1 more transcripts); and 5 more; short protein forms I434L, I448L, I484L, I537L, I580L, I185L, I338L, I97L.
Identifiers: ClinVar variation 2810779 (VCV002810779.2), dbSNP rs2132816741, ClinGen allele CA376552134.

ClinVar aggregate classification (germline): Uncertain significance (1 of 4 stars; one submission).

Conditions:
Multiple endocrine neoplasia, type 2 (MEN2). Identifiers: Orphanet 653, MedGen C4048306, MONDO:0019003. Disease mechanism: gain of function.

Submission:

Labcorp Genetics (formerly Invitae), Labcorp
Classification: Uncertain significance for Multiple endocrine neoplasia, type 2. Last evaluated: 2024-03-24. Review status: criteria provided, single submitter. Criteria: Invitae Variant Classification Sherloc (09022015). Collection method: clinical testing. Allele origin: germline.
Comment: This sequence change replaces isoleucine, which is neutral and non-polar, with leucine, which is neutral and non-polar, at codon 580 of the RET protein (p.Ile580Leu). This variant is not present in population databases (gnomAD no frequency). This variant has not been reported in the literature in individuals affected with RET-related conditions. An algorithm developed to predict the effect of missense changes on protein structure and function (PolyPhen-2) suggests that this variant¬¨‚Ä†is likely to be tolerated. In summary, the available evidence is currently insufficient to determine the role of this variant in disease. Therefore, it has been classified as a Variant of Uncertain Significance.